The following is an entry in ClinVar:

NM_001382391.1(CSPP1):c.3340C>T (p.Arg1114Cys)

Genes: ARFGEF1 (ARF guanine nucleotide exchange factor 1; minus strand), CSPP1 (centrosome and spindle pole associated protein 1; plus strand). Cytogenetic location: 8q13.2.
Variant type: single nucleotide variant.
Coding change: c.3340C>T on transcript NM_001382391.1 (MANE Select); coding-DNA position 3340, C replaced by T.
Protein change: p.Arg1114Cys; replaces arginine 1114 with cysteine.
Molecular consequence: missense variant. On other transcripts: intron variant (3).
Genome position (GRCh38, 1-based): chr8:67,193,473, C>T. VCF-style: chr8-67193473-C-T. GRCh37 (hg19) VCF-style: chr8-68105708-C-T.
Other names: c.2290C>T, p.Arg764Cys (NM_001291339.2); c.3259C>T, p.Arg1087Cys (NM_001363131.2); c.3145C>T, p.Arg1049Cys (NM_001363132.2); c.3064C>T, p.Arg1022Cys (NM_001363133.2); c.3406C>T, p.Arg1136Cys (NM_001364869.1); c.3226C>T, p.Arg1076Cys (NM_001364870.1); c.3172C>T, p.Arg1058Cys (NM_001438330.1); c.2641C>T, p.Arg881Cys (NM_001438332.1); and 4 more; short protein forms R1109C, R1049C, R1076C, R1022C, R1087C, R764C, R1114C, R1136C.
Identifiers: ClinVar variation 1361696 (VCV001361696.5), dbSNP rs537833447, ClinGen allele CA4771144.
Genomic context (GRCh38, chr8:67,193,473, plus strand): 5'-TGAACATATTTTGTGTTAATGACTTTCTGAAGTTCTGTTTTCTAACTACAGGATAGCAGT[C>T]GTCCTAATGTAGCACCAGATGGTCTCTCTCTAAAATCTATATCCAGTGTAAATGTTGATG-3'
Protein context (NP_001369320.1, residues 1104-1124): KWKGLDIDSS[Arg1114Cys]PNVAPDGLSL

ClinVar aggregate classification (germline): Uncertain significance. Review status: criteria provided, multiple submitters, no conflicts (2 of 4 stars). 2 submissions from 2 submitters: Uncertain significance (2). Last evaluated 2025-07-11.

Conditions:
Joubert syndrome 21 (JBTS21). Identifiers: MedGen C3810212, MONDO:0014288, OMIM 615636.

Allele frequency attached by ClinVar (database versions not stated): gnomAD exomes 0.00019; gnomAD 0.00001 and 0.00004; TOPMed 0.00002; ExAC 0.00015; 1000 Genomes Project 30x 0.00016; 1000 Genomes Project 0.00020.
gnomAD v4.1: 147 of 1,612,354 alleles (0.0091%); highest among the groups gnomAD compares: South Asian, 0.15%; 2 homozygotes.

Submissions (2):

Women's Health and Genetics/Laboratory Corporation of America, LabCorp
Classification: Uncertain significance. Last evaluated: 2025-07-11. Review status: criteria provided, single submitter. Criteria: LabCorp Variant Classification Summary - May 2015. Collection method: clinical testing. Allele origin: germline.
Comment: Variant summary: CSPP1 c.3325C>T (p.Arg1109Cys) results in a non-conservative amino acid change in the encoded protein sequence. Algorithms developed to predict the effect of missense changes on protein structure and function are either unavailable or do not agree on the potential impact of this missense change. The variant allele was found at a frequency of 9.1e-05 in 1612354 control chromosomes in the gnomAD database, including 2 homozygotes. This frequency is not significantly higher than estimated for a pathogenic variant in CSPP1 causing Joubert Syndrome 21, allowing no conclusion about variant significance. To our knowledge, no occurrence of c.3325C>T in individuals affected with Joubert Syndrome 21 and no experimental evidence demonstrating its impact on protein function have been reported. ClinVar contains an entry for this variant (Variation ID: 1361696). Based on the evidence outlined above, the variant was classified as uncertain significance.

Labcorp Genetics (formerly Invitae), Labcorp
Classification: Uncertain significance for Joubert syndrome 21. Last evaluated: 2025-04-16. Review status: criteria provided, single submitter. Criteria: Invitae Variant Classification Sherloc (09022015). Collection method: clinical testing. Allele origin: germline.
Comment: This sequence change replaces arginine, which is basic and polar, with cysteine, which is neutral and slightly polar, at codon 1109 of the CSPP1 protein (p.Arg1109Cys). This variant is present in population databases (rs537833447, gnomAD 0.2%). This variant has not been reported in the literature in individuals affected with CSPP1-related conditions. ClinVar contains an entry for this variant (Variation ID: 1361696). An algorithm developed to predict the effect of missense changes on protein structure and function outputs the following: PolyPhen-2: "Benign". The cysteine amino acid residue is found in multiple mammalian species, which suggests that this missense change does not adversely affect protein function. In summary, the available evidence is currently insufficient to determine the role of this variant in disease. Therefore, it has been classified as a Variant of Uncertain Significance.